The following is an entry in ClinVar:

NM_002890.3(RASA1):c.2345-1G>C

Genes: CCNH (cyclin H; minus strand), RASA1 (RAS p21 protein activator 1; plus strand). Cytogenetic location: 5q14.3.
Variant type: single nucleotide variant.
Coding change: c.2345-1G>C on transcript NM_002890.3 (MANE Select); the canonical splice acceptor site of the intron before coding-DNA position 2345, G replaced by C.
Molecular consequence: splice acceptor variant. On other transcripts: intron variant (1).
Genome position (GRCh38, 1-based): chr5:87,378,395, G>C. VCF-style: chr5-87378395-G-C. GRCh37 (hg19) VCF-style: chr5-86674212-G-C.
Other names: c.1814-1G>C (NM_022650.3); c.933+16649C>G (NM_001364075.2).
Identifiers: ClinVar variation 3340434 (VCV003340434.1).

ClinVar aggregate classification (germline): Pathogenic (1 of 4 stars; one submission).

Conditions:
Capillary malformation-arteriovenous malformation 1 (CMAVM1). Identifiers: Orphanet 137667, Orphanet 693907, MedGen C4747394, MONDO:0020783, OMIM 608354.

Submission:

Seattle Children's Hospital Molecular Genetics Laboratory, Seattle Children's Hospital
Classification: Pathogenic for Capillary malformation-arteriovenous malformation 1. Review status: criteria provided, single submitter. Criteria: ACMG Guidelines, 2015. Collection method: clinical testing. Allele origin: germline. Affected: yes.
Comment: The c.2345-1G>C variant disrupts a splice acceptor site and is predicted to result in out-of-frame skipping of exon 18. This variant is predicted to result in loss of protein function. This variant has not been reported in the medical literature or in patient databases, and the c.2345-1G>C variant is absent from large population studies (gnomAD v4.0.0). Pathogenic or likely pathogenic variants at acceptor or donor splice sites in RASA1 have been described in several individuals with Capillary Malformation-Arteriovenous Malformation Syndrome (CM-AVM1, MIM: 608354).